The following is an entry in ClinVar:

NM_016239.4(MYO15A):c.1022A>G (p.Tyr341Cys)

Gene: MYO15A (myosin XVA; plus strand). Cytogenetic location: 17p11.2.
Variant type: single nucleotide variant.
Coding change: c.1022A>G on transcript NM_016239.4 (MANE Select); coding-DNA position 1022, A replaced by G.
Protein change: p.Tyr341Cys; replaces tyrosine 341 with cysteine.
Molecular consequence: missense variant.
Genome position (GRCh38, 1-based): chr17:18,119,822, A>G. VCF-style: chr17-18119822-A-G. GRCh37 (hg19) VCF-style: chr17-18023136-A-G.
Other names: short protein forms Y341C.
Identifiers: ClinVar variation 2596431 (VCV002596431.7), dbSNP rs565206764, ClinGen allele CA8423001.

ClinVar aggregate classification (germline): Conflicting classifications of pathogenicity. Review status: criteria provided, conflicting classifications (1 of 4 stars). 3 submissions from 3 submitters: Uncertain significance (2); Likely benign (1). Last evaluated 2026-05-09.

Conditions:
Inborn genetic diseases. Identifiers: MedGen C0950123, MeSH D030342.

Allele frequency attached by ClinVar (database versions not stated): 1000 Genomes Project 30x 0.00016; TOPMed 0.00002; ExAC 0.00003; gnomAD 0.00004; 1000 Genomes Project 0.00020; gnomAD exomes 0.00002.
gnomAD v4.1: 32 of 1,612,990 alleles (0.002%); highest among the groups gnomAD compares: East Asian, 0.053%; no homozygotes.

Submissions (3):

GeneDx
Classification: Uncertain significance. Last evaluated: 2026-05-09. Review status: criteria provided, single submitter. Criteria: GeneDx Variant Classification Process June 2021. Collection method: clinical testing. Allele origin: germline.
Comment: In silico analysis suggests that this missense variant does not alter protein structure/function; Has not been previously published as pathogenic or benign to our knowledge

Labcorp Genetics (formerly Invitae), Labcorp
Classification: Likely benign. Last evaluated: 2023-12-20. Review status: criteria provided, single submitter. Criteria: Invitae Variant Classification Sherloc (09022015). Collection method: clinical testing. Allele origin: germline.

Ambry Genetics
Classification: Uncertain significance for Inborn genetic diseases. Last evaluated: 2023-07-25. Review status: criteria provided, single submitter. Criteria: Ambry Variant Classification Scheme 2023. Collection method: clinical testing. Allele origin: germline.